The following is an entry in ClinVar:

NM_001127222.2(CACNA1A):c.4326C>A (p.Tyr1442Ter)

Gene: CACNA1A (calcium voltage-gated channel subunit alpha1 A; minus strand). Cytogenetic location: 19p13.13.
Variant type: single nucleotide variant.
Coding change: c.4326C>A on transcript NM_001127222.2 (MANE Select); coding-DNA position 4326, C replaced by A.
Protein change: p.Tyr1442Ter; replaces tyrosine 1442 with a stop codon.
Molecular consequence: nonsense.
Genome position (GRCh38, 1-based): chr19:13,259,626, G>T on the plus strand (C>A on the coding strand, the complement: CACNA1A is on the minus strand). VCF-style: chr19-13259626-G-T. GRCh37 (hg19) VCF-style: chr19-13370440-G-T.
Other names: c.4338C>A, p.Tyr1446Ter (NM_000068.4, NM_023035.3); c.4329C>A, p.Tyr1443Ter (NM_001127221.2, NM_001174080.2); short protein forms Y1442*, Y1443*, Y1446*.
Identifiers: ClinVar variation 3571802 (VCV003571802.1).

ClinVar aggregate classification (germline): Likely pathogenic (1 of 4 stars; one submission).

Submission:

Athena Diagnostics
Classification: Likely pathogenic. Last evaluated: 2024-01-24. Review status: criteria provided, single submitter. Criteria: Athena Diagnostics Criteria. Collection method: clinical testing. Allele origin: unknown.
Comment: This variant is expected to result in the loss of a functional protein. This variant has not been reported in large, multi-ethnic general populations.